The following is an entry in ClinVar:

NM_004370.6(COL12A1):c.6116A>G (p.Asn2039Ser)

Gene: COL12A1 (collagen type XII alpha 1 chain; minus strand). Cytogenetic location: 6q13.
Variant type: single nucleotide variant.
Coding change: c.6116A>G on transcript NM_004370.6 (MANE Select); coding-DNA position 6116, A replaced by G.
Protein change: p.Asn2039Ser; replaces asparagine 2039 with serine.
Molecular consequence: missense variant.
Genome position (GRCh38, 1-based): chr6:75,130,185, T>C on the plus strand (A>G on the coding strand, the complement: COL12A1 is on the minus strand). VCF-style: chr6-75130185-T-C. GRCh37 (hg19) VCF-style: chr6-75839901-T-C.
Other names: c.6116A>G (NM_004370.5); c.2624A>G, p.Asn875Ser (NM_080645.3); short protein forms N2039S, N875S.
Identifiers: ClinVar variation 1059240 (VCV001059240.11), dbSNP rs202186932, ClinGen allele CA3892894.

ClinVar aggregate classification (germline): Conflicting classifications of pathogenicity. Review status: criteria provided, conflicting classifications (1 of 4 stars). 3 submissions from 3 submitters: Uncertain significance (2); Likely benign (1). Last evaluated 2026-03-05.

Conditions:
Inborn genetic diseases. Identifiers: MedGen C0950123, MeSH D030342.
Ullrich congenital muscular dystrophy 2 (UCMD2). Identifiers: Orphanet 75840, MedGen C4225314, MONDO:0014654, OMIM 616470.
Bethlem myopathy 2 (BTHLM2). Identifiers: Orphanet 536516, Orphanet 610, MedGen C4225313, MONDO:0034022, OMIM 616471.

Allele frequency attached by ClinVar (database versions not stated): TOPMed below 0.00001; gnomAD 0.00001 and 0.00002; gnomAD exomes 0.00001 and 0.00004; ExAC 0.00003; 1000 Genomes Project 30x 0.00016; 1000 Genomes Project 0.00020.
gnomAD v4.1: 25 of 1,614,060 alleles (0.0015%); highest among the groups gnomAD compares: Middle Eastern, 0.017%; no homozygotes.

Submissions (3):

GeneDx
Classification: Uncertain significance. Last evaluated: 2026-03-05. Review status: criteria provided, single submitter. Criteria: GeneDx Variant Classification Process June 2021. Collection method: clinical testing. Allele origin: germline.
Comment: In silico analysis suggests that this missense variant does not alter protein structure/function; Has not been previously published as pathogenic or benign to our knowledge

Labcorp Genetics (formerly Invitae), Labcorp
Classification: Likely benign for Bethlem myopathy 2; Ullrich congenital muscular dystrophy 2. Last evaluated: 2025-09-21. Review status: criteria provided, single submitter. Criteria: Invitae Variant Classification Sherloc (09022015). Collection method: clinical testing. Allele origin: germline.

Ambry Genetics
Classification: Uncertain significance for Inborn genetic diseases. Last evaluated: 2025-08-05. Review status: criteria provided, single submitter. Criteria: Ambry Variant Classification Scheme 2023. Collection method: clinical testing. Allele origin: germline.